The following is an entry in ClinVar:

NM_006996.3(SLC19A2):c.808-2A>G

Gene: SLC19A2 (solute carrier family 19 member 2; minus strand). Cytogenetic location: 1q24.2.
Variant type: single nucleotide variant.
Coding change: c.808-2A>G on transcript NM_006996.3 (MANE Select); the canonical splice acceptor site of the intron before coding-DNA position 808, A replaced by G.
Molecular consequence: splice acceptor variant.
Genome position (GRCh38, 1-based): chr1:169,470,188, T>C on the plus strand (A>G on the coding strand, the complement: SLC19A2 is on the minus strand). VCF-style: chr1-169470188-T-C. GRCh37 (hg19) VCF-style: chr1-169439426-T-C.
Other names: c.205-2A>G (NM_001319667.1).
Identifiers: ClinVar variation 2769340 (VCV002769340.3), dbSNP rs2526240389, ClinGen allele CA343133144.

ClinVar aggregate classification (germline): Likely pathogenic (1 of 4 stars; one submission).

Submission:

Labcorp Genetics (formerly Invitae), Labcorp
Classification: Likely pathogenic. Last evaluated: 2023-10-17. Review status: criteria provided, single submitter. Criteria: Invitae Variant Classification Sherloc (09022015). Collection method: clinical testing. Allele origin: germline.
Comment: This sequence change affects an acceptor splice site in intron 2 of the SLC19A2 gene. It is expected to disrupt RNA splicing. Variants that disrupt the donor or acceptor splice site typically lead to a loss of protein function (PMID: 16199547), and loss-of-function variants in SLC19A2 are known to be pathogenic (PMID: 10391221, 10391223, 10874303). This variant is not present in population databases (gnomAD no frequency). This variant has not been reported in the literature in individuals affected with SLC19A2-related conditions. Algorithms developed to predict the effect of sequence changes on RNA splicing suggest that this variant may disrupt the consensus splice site. In summary, the currently available evidence indicates that the variant is pathogenic, but additional data are needed to prove that conclusively. Therefore, this variant has been classified as Likely Pathogenic.

Literature cited by the submitters: PubMed 16199547; PubMed 10391221; PubMed 10391223; PubMed 10874303.